The following is an entry in ClinVar:

ClinVar aggregate classification (germline): Uncertain significance (1 of 4 stars; one submission).

Allele frequency attached by ClinVar (database versions not stated): TOPMed 0.00006.
gnomAD v4.1: 66 of 1,614,012 alleles (0.0041%); highest among the groups gnomAD compares: African/African-American, 0.024%; no homozygotes.

Submission:

Labcorp Genetics (formerly Invitae), Labcorp
Classification: Uncertain significance. Last evaluated: 2022-08-06. Review status: criteria provided, single submitter. Criteria: Invitae Variant Classification Sherloc (09022015). Collection method: clinical testing. Allele origin: germline.
Comment: This sequence change replaces proline, which is neutral and non-polar, with leucine, which is neutral and non-polar, at codon 419 of the DMP1 protein (p.Pro419Leu). This variant is present in population databases (rs145278609, gnomAD 0.02%). This variant has not been reported in the literature in individuals affected with DMP1-related conditions. ClinVar contains an entry for this variant (Variation ID: 1016832). Algorithms developed to predict the effect of missense changes on protein structure and function are either unavailable or do not agree on the potential impact of this missense change (SIFT: "Tolerated"; PolyPhen-2: "Not Available"; Align-GVGD: "Class C0"). In summary, the available evidence is currently insufficient to determine the role of this variant in disease. Therefore, it has been classified as a Variant of Uncertain Significance.

NM_004407.4(DMP1):c.1256C>T (p.Pro419Leu)

Genes: DMP1 (dentin matrix acidic phosphoprotein 1; plus strand), DMP1-AS1 (DMP1 and DSPP antisense RNA 1; minus strand). Cytogenetic location: 4q22.1.
Variant type: single nucleotide variant.
Coding change: c.1256C>T on transcript NM_004407.4 (MANE Select); coding-DNA position 1256, C replaced by T.
Protein change: p.Pro419Leu; replaces proline 419 with leucine.
Molecular consequence: missense variant.
Genome position (GRCh38, 1-based): chr4:87,663,034, C>T. VCF-style: chr4-87663034-C-T. GRCh37 (hg19) VCF-style: chr4-88584186-C-T.
Other names: c.1208C>T, p.Pro403Leu (NM_001079911.3); short protein forms P403L, P419L.
Identifiers: ClinVar variation 1016832 (VCV001016832.6), dbSNP rs145278609, ClinGen allele CA3002171.